The following is an entry in ClinVar:

NM_001101362.3(KBTBD13):c.778C>T (p.Leu260Phe)

Gene: KBTBD13 (kelch repeat and BTB domain containing 13; plus strand). Cytogenetic location: 15q22.31.
Variant type: single nucleotide variant.
Coding change: c.778C>T on transcript NM_001101362.3 (MANE Select); coding-DNA position 778, C replaced by T.
Protein change: p.Leu260Phe; replaces leucine 260 with phenylalanine.
Molecular consequence: missense variant.
Genome position (GRCh38, 1-based): chr15:65,077,593, C>T. VCF-style: chr15-65077593-C-T. GRCh37 (hg19) VCF-style: chr15-65369931-C-T.
Other names: short protein forms L260F.
Identifiers: ClinVar variation 532995 (VCV000532995.10), dbSNP rs769416249, ClinGen allele CA7613978.

ClinVar aggregate classification (germline): Uncertain significance. Review status: criteria provided, multiple submitters, no conflicts (2 of 4 stars). 2 submissions from 2 submitters: Uncertain significance (2). Last evaluated 2025-08-19.

Conditions:
Nemaline myopathy 6 (NEM6). Also called: Nemaline myopathy 6, autosomal dominant. Identifiers: Orphanet 171439, MedGen C1836472, MONDO:0012237, OMIM 609273.

Allele frequency attached by ClinVar (database versions not stated): gnomAD 0.00001; gnomAD exomes 0.00001 and 0.00002; TOPMed 0.00002; ExAC 0.00004.

Submissions (2):

Labcorp Genetics (formerly Invitae), Labcorp
Classification: Uncertain significance for Nemaline myopathy 6. Last evaluated: 2025-08-19. Review status: criteria provided, single submitter. Criteria: Invitae Variant Classification Sherloc (09022015). Collection method: clinical testing. Allele origin: germline.
Comment: This sequence change replaces leucine, which is neutral and non-polar, with phenylalanine, which is neutral and non-polar, at codon 260 of the KBTBD13 protein (p.Leu260Phe). This variant is present in population databases (rs769416249, gnomAD 0.007%). This variant has not been reported in the literature in individuals affected with KBTBD13-related conditions. ClinVar contains an entry for this variant (Variation ID: 532995). Invitae Evidence Modeling of protein sequence and biophysical properties (such as structural, functional, and spatial information, amino acid conservation, physicochemical variation, residue mobility, and thermodynamic stability) has been performed for this missense variant. However, the output from this modeling did not meet the statistical confidence thresholds required to predict the impact of this variant on KBTBD13 protein function. In summary, the available evidence is currently insufficient to determine the role of this variant in disease. Therefore, it has been classified as a Variant of Uncertain Significance.

Athena Diagnostics
Classification: Uncertain significance. Last evaluated: 2018-10-30. Review status: criteria provided, single submitter. Criteria: Athena Diagnostics Criteria. Collection method: clinical testing. Allele origin: germline.